The following is an entry in ClinVar:

NM_001035.3(RYR2):c.13957-11C>T

Gene: RYR2 (ryanodine receptor 2; plus strand). Cytogenetic location: 1q43.
Variant type: single nucleotide variant.
Coding change: c.13957-11C>T on transcript NM_001035.3 (MANE Select); 11 bases into the intron before coding-DNA position 13957, C replaced by T.
Molecular consequence: intron variant.
Genome position (GRCh38, 1-based): chr1:237,798,026, C>T. VCF-style: chr1-237798026-C-T. GRCh37 (hg19) VCF-style: chr1-237961326-C-T.
Identifiers: ClinVar variation 3069783 (VCV003069783.1), dbSNP rs1400491008, ClinGen allele CA2651215933.
Genomic context (GRCh38, chr1:237,798,026, plus strand): 5'-TTTTATACACACATATAGATGATGTTACTTAATGGTTGAAGCCAACAAAATGCTTTTTCT[C>T]ATACCCCAAGGTTATGGATAAATATGGAGAGTTCTACGGCCGAGACAGAATCAGTGAATT-3'

ClinVar aggregate classification (germline): Likely benign (1 of 4 stars; one submission).

Conditions:
Catecholaminergic polymorphic ventricular tachycardia (CVPT). Also called: Catecholamine-induced polymorphic ventricular tachycardia. Identifiers: Orphanet 3286, MedGen C5574922, MONDO:0017990.

Submission:

All of Us Research Program, National Institutes of Health
Classification: Likely benign for Catecholaminergic polymorphic ventricular tachycardia. Last evaluated: 2023-03-09. Review status: criteria provided, single submitter. Criteria: ACMG Guidelines, 2015. Collection method: clinical testing. Allele origin: germline. Inheritance: Autosomal dominant inheritance. Observed: 1 variant allele, 1 heterozygote.
Comment: This study involves interpretation of variants in research participants for the purpose of population health screening. Participant phenotype was not available at the time of variant classification. Additional details can be found in publication PMID: 35346344, PMCID: PMC8962531